The following is an entry in ClinVar:

NM_001903.5(CTNNA1):c.89A>C (p.Glu30Ala)

Gene: CTNNA1 (catenin alpha 1; plus strand). Cytogenetic location: 5q31.2.
Variant type: single nucleotide variant.
Coding change: c.89A>C on transcript NM_001903.5 (MANE Select); coding-DNA position 89, A replaced by C.
Protein change: p.Glu30Ala; replaces glutamic acid 30 with alanine.
Molecular consequence: missense variant. On other transcripts: 5 prime UTR variant (2).
Genome position (GRCh38, 1-based): chr5:138,782,013, A>C. VCF-style: chr5-138782013-A-C. GRCh37 (hg19) VCF-style: chr5-138117702-A-C.
Other names: c.89A>C, p.Glu30Ala (NM_001290307.3, NM_001323982.2, NM_001323983.1 and 3 more transcripts); c.-25A>C (NM_001290309.3); c.-118A>C (NM_001290310.3); c.89A>C (NM_001903.2); short protein forms E30A.
Identifiers: ClinVar variation 639945 (VCV000639945.11), dbSNP rs763858194, ClinGen allele CA3431335.

ClinVar aggregate classification (germline): Uncertain significance. Review status: criteria provided, multiple submitters, no conflicts (2 of 4 stars). 2 submissions from 2 submitters: Uncertain significance (2). Last evaluated 2024-08-01.

Conditions:
Hereditary cancer-predisposing syndrome. Also called: Neoplastic Syndromes, Hereditary; Tumor predisposition; Hereditary Cancer Syndrome; Hereditary neoplastic syndrome. Identifiers: Orphanet 140162, MedGen C0027672, MeSH D009386, MONDO:0015356.

Allele frequency attached by ClinVar (database versions not stated): gnomAD exomes below 0.00001; ExAC 0.00001.
gnomAD v4.1: 1 of 1,609,332 alleles (0.000062%); highest among the groups gnomAD compares: Admixed American, 0.0017%; no homozygotes.

Submissions (2):

Labcorp Genetics (formerly Invitae), Labcorp
Classification: Uncertain significance. Last evaluated: 2024-08-01. Review status: criteria provided, single submitter. Criteria: Invitae Variant Classification Sherloc (09022015). Collection method: clinical testing. Allele origin: germline.
Comment: This sequence change replaces glutamic acid, which is acidic and polar, with alanine, which is neutral and non-polar, at codon 30 of the CTNNA1 protein (p.Glu30Ala). This variant is present in population databases (rs763858194, gnomAD 0.003%). This variant has not been reported in the literature in individuals affected with CTNNA1-related conditions. ClinVar contains an entry for this variant (Variation ID: 639945). Advanced modeling of protein sequence and biophysical properties (such as structural, functional, and spatial information, amino acid conservation, physicochemical variation, residue mobility, and thermodynamic stability) performed at Invitae indicates that this missense variant is not expected to disrupt CTNNA1 protein function with a negative predictive value of 80%. In summary, the available evidence is currently insufficient to determine the role of this variant in disease. Therefore, it has been classified as a Variant of Uncertain Significance.

Ambry Genetics
Classification: Uncertain significance for Hereditary cancer-predisposing syndrome. Last evaluated: 2024-05-28. Review status: criteria provided, single submitter. Criteria: Ambry Variant Classification Scheme 2023. Collection method: clinical testing. Allele origin: germline.
Comment: The p.E30A variant (also known as c.89A>C), located in coding exon 1 of the CTNNA1 gene, results from an A to C substitution at nucleotide position 89. The glutamic acid at codon 30 is replaced by alanine, an amino acid with dissimilar properties. This amino acid position is highly conserved in available vertebrate species. In addition, this alteration is predicted to be deleterious by in silico analysis. The evidence for this gene-disease relationship is limited; therefore, the clinical significance of this alteration is unclear.